The following is an entry in ClinVar:

ClinVar aggregate classification (germline): Uncertain significance (1 of 4 stars; one submission).

Conditions:
Cardiovascular phenotype. Identifiers: MedGen CN230736.

gnomAD v4.1: 4 of 1,591,902 alleles (0.00025%); highest among the groups gnomAD compares: African/African-American, 0.0027%; no homozygotes.

Submission:

Ambry Genetics
Classification: Uncertain significance for Cardiovascular phenotype. Last evaluated: 2024-06-12. Review status: criteria provided, single submitter. Criteria: Ambry Variant Classification Scheme 2023. Collection method: clinical testing. Allele origin: germline.
Comment: The p.R95C variant (also known as c.283C>T), located in coding exon 1 of the LOX gene, results from a C to T substitution at nucleotide position 283. The arginine at codon 95 is replaced by cysteine, an amino acid with highly dissimilar properties. This amino acid position is conserved. In addition, this alteration is predicted to be tolerated by in silico analysis. Based on the available evidence, the clinical significance of this variant remains unclear.

NM_002317.7(LOX):c.283C>T (p.Arg95Cys)

Genes: LOX (lysyl oxidase; minus strand), SRFBP1 (serum response factor binding protein 1; plus strand). Cytogenetic location: 5q23.1.
Variant type: single nucleotide variant.
Coding change: c.283C>T on transcript NM_002317.7 (MANE Select); coding-DNA position 283, C replaced by T.
Protein change: p.Arg95Cys; replaces arginine 95 with cysteine.
Molecular consequence: missense variant.
Genome position (GRCh38, 1-based): chr5:122,077,703, G>A on the plus strand (C>T on the coding strand, the complement: LOX is on the minus strand). VCF-style: chr5-122077703-G-A. GRCh37 (hg19) VCF-style: chr5-121413398-G-A.
Other names: short protein forms R95C.
Identifiers: ClinVar variation 3291080 (VCV003291080.1).